The following is an entry in ClinVar:

NM_001278716.2(FBXL4):c.137C>T (p.Pro46Leu)

Gene: FBXL4 (F-box and leucine rich repeat protein 4; minus strand). Cytogenetic location: 6q16.2.
Variant type: single nucleotide variant.
Coding change: c.137C>T on transcript NM_001278716.2 (MANE Select); coding-DNA position 137, C replaced by T.
Protein change: p.Pro46Leu; replaces proline 46 with leucine.
Molecular consequence: missense variant. On other transcripts: non-coding transcript variant (2).
Genome position (GRCh38, 1-based): chr6:98,926,852, G>A on the plus strand (C>T on the coding strand, the complement: FBXL4 is on the minus strand). VCF-style: chr6-98926852-G-A. GRCh37 (hg19) VCF-style: chr6-99374728-G-A.
Other names: c.137C>T (NM_012160.3); c.137C>T, p.Pro46Leu (NM_012160.5); short protein forms P46L.
Identifiers: ClinVar variation 437545 (VCV000437545.2), dbSNP rs371782465, ClinGen allele CA3933727.

ClinVar aggregate classification (germline): Uncertain significance. Review status: criteria provided, multiple submitters, no conflicts (2 of 4 stars). 2 submissions from 2 submitters: Uncertain significance (2). Last evaluated 2023-12-12.

Conditions:
Mitochondrial DNA depletion syndrome 13. Also called: FBXL4-Related Encephalomyopathic Mitochondrial DNA Depletion Syndrome; Mitochondrial DNA depletion syndrome 13 (encephalomyopathic type). Identifiers: Orphanet 369897, MedGen C3809592, MONDO:0014198, OMIM 615471.

Allele frequency attached by ClinVar (database versions not stated): TOPMed 0.00006; 1000 Genomes Project 0.00040; 1000 Genomes Project 30x 0.00047.
gnomAD v4.1: 16 of 1,614,184 alleles (0.00099%); highest among the groups gnomAD compares: African/African-American, 0.021%; no homozygotes.

Submissions (2):

GeneDx
Classification: Uncertain significance. Last evaluated: 2023-12-12. Review status: criteria provided, single submitter. Criteria: GeneDx Variant Classification Process June 2021. Collection method: clinical testing. Allele origin: germline. Affected: yes.
Comment: In silico analysis supports that this missense variant does not alter protein structure/function; Has not been previously published as pathogenic or benign to our knowledge

Wong Mito Lab, Molecular and Human Genetics, Baylor College of Medicine
Classification: Uncertain significance for Mitochondrial DNA depletion syndrome 13. Last evaluated: 2017-08-10. Review status: criteria provided, single submitter. Criteria: ACMG Guidelines, 2015. Collection method: reference population. Allele origin: germline.
Comment: The NM_012160.4:c.137C>T (NP_036292.2:p.Pro46Leu) [GRCH38: NC_000006.12:g.98926852G>A] variant in FBXL4 gene is interpretated to be a Uncertain Significance - Insufficient Evidence based on ACMG guidelines (PMID: 25741868). This variant meets one or more of the following evidence codes reported in the ACMG-guideline. PM2:This variant is absent in key population databases. Based on this evidence code ClinGen Pathogenicity Calculator (PMID:28081714) suggested that the variant is Uncertain Significance - Insufficient Evidence.